The following is an entry in ClinVar:

NM_152594.3(SPRED1):c.773A>G (p.Tyr258Cys)

Gene: SPRED1 (sprouty related EVH1 domain containing 1; plus strand). Cytogenetic location: 15q14.
Variant type: single nucleotide variant.
Coding change: c.773A>G on transcript NM_152594.3 (MANE Select); coding-DNA position 773, A replaced by G.
Protein change: p.Tyr258Cys; replaces tyrosine 258 with cysteine.
Molecular consequence: missense variant.
Genome position (GRCh38, 1-based): chr15:38,351,102, A>G. VCF-style: chr15-38351102-A-G. GRCh37 (hg19) VCF-style: chr15-38643303-A-G.
Other names: short protein forms Y258C.
Identifiers: ClinVar variation 1327227 (VCV001327227.5), dbSNP rs2141016090, ClinGen allele CA391933208.
Genomic context (GRCh38, chr15:38,351,102, plus strand): 5'-GCTTTCAAGATGAGGATGAGATTGTCAGAATAAACCCTCGAGATATCTTAATACGTCGCT[A>G]TGCAGACTACAGACATCCTGACATGTGGAAAAATGACTTGGAAAGAGATGATGCTGATTC-3'
Protein context (NP_689807.1, residues 248-268): INPRDILIRR[Tyr258Cys]ADYRHPDMWK

ClinVar aggregate classification (germline): Uncertain significance. Review status: criteria provided, multiple submitters, no conflicts (2 of 4 stars). 2 submissions from 2 submitters: Uncertain significance (2). Last evaluated 2024-12-17.

Conditions:
Legius syndrome. Identifiers: Orphanet 137605, MedGen C1969623, MONDO:0012669, OMIM 611431. Disease mechanism: loss of function.

Submissions (2):

Labcorp Genetics (formerly Invitae), Labcorp
Classification: Uncertain significance for Legius syndrome. Last evaluated: 2024-12-17. Review status: criteria provided, single submitter. Criteria: Invitae Variant Classification Sherloc (09022015). Collection method: clinical testing. Allele origin: germline.
Comment: This sequence change replaces tyrosine, which is neutral and polar, with cysteine, which is neutral and slightly polar, at codon 258 of the SPRED1 protein (p.Tyr258Cys). This variant is not present in population databases (gnomAD no frequency). This variant has not been reported in the literature in individuals affected with SPRED1-related conditions. ClinVar contains an entry for this variant (Variation ID: 1327227). Invitae Evidence Modeling of protein sequence and biophysical properties (such as structural, functional, and spatial information, amino acid conservation, physicochemical variation, residue mobility, and thermodynamic stability) indicates that this missense variant is expected to disrupt SPRED1 protein function with a positive predictive value of 80%. In summary, the available evidence is currently insufficient to determine the role of this variant in disease. Therefore, it has been classified as a Variant of Uncertain Significance.

GeneDx
Classification: Uncertain significance. Last evaluated: 2021-06-01. Review status: criteria provided, single submitter. Criteria: GeneDx Variant Classification Process June 2021. Collection method: clinical testing. Allele origin: germline. Affected: yes.
Comment: Not observed at significant frequency in large population cohorts (Lek 2016); In silico analysis supports that this missense variant has a deleterious effect on protein structure/function; Has not been previously published as pathogenic or benign to our knowledge; This variant is associated with the following publications: (PMID: 27535533)